The following is an entry in ClinVar:

ClinVar aggregate classification (germline): Uncertain significance (1 of 4 stars; one submission).

Conditions:
Hereditary cancer-predisposing syndrome. Also called: Tumor predisposition; Hereditary Cancer Syndrome; Hereditary neoplastic syndrome; Neoplastic Syndromes, Hereditary. Identifiers: Orphanet 140162, MedGen C0027672, MeSH D009386, MONDO:0015356.

Allele frequency attached by ClinVar (database versions not stated): gnomAD exomes below 0.00001.

Submission:

Ambry Genetics
Classification: Uncertain significance for Hereditary cancer-predisposing syndrome. Last evaluated: 2023-08-23. Review status: criteria provided, single submitter. Criteria: Ambry Variant Classification Scheme 2023. Collection method: clinical testing. Allele origin: germline.
Comment: The p.T387I variant (also known as c.1160C>T), located in coding exon 10 of the SMARCE1 gene, results from a C to T substitution at nucleotide position 1160. The threonine at codon 387 is replaced by isoleucine, an amino acid with similar properties. This amino acid position is highly conserved in available vertebrate species. In addition, this alteration is predicted to be tolerated by in silico analysis. Since supporting evidence is limited at this time, the clinical significance of this alteration remains unclear.

NM_003079.5(SMARCE1):c.1160C>T (p.Thr387Ile)

Gene: SMARCE1 (SWI/SNF related BAF chromatin remodeling complex subunit E1; minus strand). Cytogenetic location: 17q21.2.
Variant type: single nucleotide variant.
Coding change: c.1160C>T on transcript NM_003079.5 (MANE Select); coding-DNA position 1160, C replaced by T.
Protein change: p.Thr387Ile; replaces threonine 387 with isoleucine.
Molecular consequence: missense variant.
Genome position (GRCh38, 1-based): chr17:40,628,861, G>A on the plus strand (C>T on the coding strand, the complement: SMARCE1 is on the minus strand). VCF-style: chr17-40628861-G-A. GRCh37 (hg19) VCF-style: chr17-38785113-G-A.
Other names: short protein forms T387I.
Identifiers: ClinVar variation 2624546 (VCV002624546.2), dbSNP rs2508592566, ClinGen allele CA399361079.